The following is an entry in ClinVar:

NM_000459.5(TEK):c.1490-1G>A

Gene: TEK (TEK receptor tyrosine kinase; plus strand). Cytogenetic location: 9p21.2.
Variant type: single nucleotide variant.
Coding change: c.1490-1G>A on transcript NM_000459.5 (MANE Select); the canonical splice acceptor site of the intron before coding-DNA position 1490, G replaced by A.
Molecular consequence: splice acceptor variant.
Genome position (GRCh38, 1-based): chr9:27,192,488, G>A. VCF-style: chr9-27192488-G-A. GRCh37 (hg19) VCF-style: chr9-27192486-G-A.
Other names: c.1361-1G>A (NM_001290077.2, NM_001375476.1); c.1049-1G>A (NM_001290078.2); c.1490-1G>A (NM_001375475.1).
Identifiers: ClinVar variation 1333305 (VCV001333305.3), dbSNP rs1380793724, ClinGen allele CA373111161.

ClinVar aggregate classification (germline): Likely pathogenic. Review status: criteria provided, single submitter (1 of 4 stars). 2 submissions from 2 submitters: Likely pathogenic (1). 1 of the submissions does not count toward it. Last evaluated 2022-01-03.

Conditions:
Glaucoma 3, primary congenital, E (GLC3E). Identifiers: MedGen C4310639, MONDO:0014998, OMIM 617272.

Allele frequency attached by ClinVar (database versions not stated): gnomAD exomes below 0.00001; TOPMed 0.00002.
gnomAD v4.1: 4 of 1,613,870 alleles (0.00025%); highest among the groups gnomAD compares: Admixed American, 0.0033%; no homozygotes.

Submissions (2):

3billion
Classification: Likely pathogenic for Glaucoma 3, primary congenital, E. Last evaluated: 2022-01-03. Review status: criteria provided, single submitter. Criteria: ACMG Guidelines, 2015. Collection method: clinical testing. Allele origin: germline. Affected: yes. Observed: 1 heterozygote.
Comment: Canonical splice site: predicted to alter splicing and result in a loss or disruption of normal protein function through protein truncation. Multiple pathogenic variants are reported in the predicted truncated region (PVS1_VS). It is observed at an extremely low frequency in the gnomAD v2.1.1 dataset (total allele frequency: 0.000004, PM2_M). Therefore, this variant is classified as likely pathogenic according to the recommendation of ACMG/AMP guideline.

Ophthalmo-Genetics Lab, Instituto de Oftalmologia Conde de Valenciana
Classification: Pathogenic for Glaucoma 3, primary congenital, E. Review status: no assertion criteria provided. Collection method: research. Allele origin: germline. Inheritance: Sporadic. Affected: yes. Not counted in ClinVar's aggregate classification.

Literature cited by the submitters: DOI 10.3389/fgene.2021.764509 (cited by Ophthalmo-Genetics Lab, Instituto de Oftalmologia Conde de Valenciana).